The following is an entry in ClinVar:

ClinVar aggregate classification (germline): Uncertain significance (1 of 4 stars; one submission).

Allele frequency attached by ClinVar (database versions not stated): gnomAD 0.00002 and 0.00004; TOPMed 0.00005; ExAC 0.00008; ESP Exome Variant Server 0.00008; gnomAD exomes 0.00009.
gnomAD v4.1: 65 of 1,581,330 alleles (0.0041%); highest among the groups gnomAD compares: East Asian, 0.088%; no homozygotes.

Submission:

Labcorp Genetics (formerly Invitae), Labcorp
Classification: Uncertain significance. Last evaluated: 2025-08-04. Review status: criteria provided, single submitter. Criteria: Invitae Variant Classification Sherloc (09022015). Collection method: clinical testing. Allele origin: germline.
Comment: This sequence change creates a premature translational stop signal (p.Glu792*) in the FAM186B gene. It is expected to result in an absent or disrupted protein product. However, the current clinical and genetic evidence is not sufficient to establish whether loss-of-function variants in FAM186B cause disease. This variant is present in population databases (rs377415942, gnomAD 0.09%), and has an allele count higher than expected for a pathogenic variant. This variant has not been reported in the literature in individuals affected with FAM186B-related conditions. ClinVar contains an entry for this variant (Variation ID: 1518570). In summary, the available evidence is currently insufficient to determine the role of this variant in disease. Therefore, it has been classified as a Variant of Uncertain Significance.

NM_032130.3(FAM186B):c.2374G>T (p.Glu792Ter)

Gene: FAM186B (family with sequence similarity 186 member B; minus strand). Cytogenetic location: 12q13.12.
Variant type: single nucleotide variant.
Coding change: c.2374G>T on transcript NM_032130.3 (MANE Select); coding-DNA position 2374, G replaced by T.
Protein change: p.Glu792Ter; replaces glutamic acid 792 with a stop codon.
Molecular consequence: nonsense. On other transcripts: non-coding transcript variant (1).
Genome position (GRCh38, 1-based): chr12:49,588,614, C>A on the plus strand (G>T on the coding strand, the complement: FAM186B is on the minus strand). VCF-style: chr12-49588614-C-A. GRCh37 (hg19) VCF-style: chr12-49982397-C-A.
Other names: short protein forms E792*.
Identifiers: ClinVar variation 1518570 (VCV001518570.5), dbSNP rs377415942, ClinGen allele CA6554455.